The following is an entry in ClinVar:

NM_001127222.2(CACNA1A):c.3040G>A (p.Glu1014Lys)

Gene: CACNA1A (calcium voltage-gated channel subunit alpha1 A; minus strand). Cytogenetic location: 19p13.13.
Variant type: single nucleotide variant.
Coding change: c.3040G>A on transcript NM_001127222.2 (MANE Select); coding-DNA position 3040, G replaced by A.
Protein change: p.Glu1014Lys; replaces glutamic acid 1014 with lysine.
Molecular consequence: missense variant.
Genome position (GRCh38, 1-based): chr19:13,298,593, C>T on the plus strand (G>A on the coding strand, the complement: CACNA1A is on the minus strand). VCF-style: chr19-13298593-C-T. GRCh37 (hg19) VCF-style: chr19-13409407-C-T.
Other names: c.3040G>A (NM_001127222.1); c.3052G>A, p.Glu1018Lys (NM_000068.4, NM_023035.3); c.3043G>A, p.Glu1015Lys (NM_001127221.2, NM_001174080.2); short protein forms E1015K, E1018K, E1014K.
Identifiers: ClinVar variation 194928 (VCV000194928.68), dbSNP rs16024, ClinGen allele CA241161.

ClinVar aggregate classification (germline): Conflicting classifications of pathogenicity. Review status: criteria provided, conflicting classifications (1 of 4 stars). 16 submissions from 16 submitters: Uncertain significance (2); Benign (5); Likely benign (2). 7 of the submissions do not count toward it. Last evaluated 2026-09-01.

Conditions:
Episodic ataxia type 2 (EA2). Also called: ATAXIA, FAMILIAL PAROXYSMAL; CEREBELLAR ATAXIA, PAROXYSMAL, ACETAZOLAMIDE-RESPONSIVE; CEREBELLOPATHY, HEREDITARY PAROXYSMAL; EPISODIC ATAXIA, NYSTAGMUS-ASSOCIATED; ACETAZOLAMIDE-RESPONSIVE HEREDITARY PAROXYSMAL CEREBELLAR ATAXIA; ATAXIA, EPISODIC, WITH NYSTAGMUS. Identifiers: Orphanet 97, MedGen C1720416, MONDO:0007163, OMIM 108500.
Developmental and epileptic encephalopathy, 42 (DEE42A). Also called: Epileptic encephalopathy, early infantile, 42; DEVELOPMENTAL AND EPILEPTIC ENCEPHALOPATHY 42A; EPILEPTIC ENCEPHALOPATHY, EARLY INFANTILE, 42A. Identifiers: MedGen C4310716, MONDO:0014917, OMIM 617106.
CACNA1A-related disorder. Also called: CACNA1A-related condition.
Inborn genetic diseases. Identifiers: MedGen C0950123, MeSH D030342.
Intellectual disability. Also called: intellectual disabilities; Intellectual developmental disorder; Intellectual functioning disability. Identifiers: MedGen C3714756, MeSH D008607, MONDO:0001071, HP:0001249.

Allele frequency attached by ClinVar (database versions not stated): 1000 Genomes Project 0.00120; 1000 Genomes Project 30x 0.00125; ExAC 0.00255; gnomAD exomes 0.00356; gnomAD 0.00372 and 0.00390; ESP Exome Variant Server 0.00375; TOPMed 0.00427.
gnomAD v4.1: 8,096 of 1,541,592 alleles (0.53%); highest among the groups gnomAD compares: Non-Finnish European, 0.63%; 28 homozygotes.

Submissions (16):

CeGaT Center for Human Genetics Tuebingen
Classification: Benign. Last evaluated: 2026-09-01. Review status: criteria provided, single submitter. Criteria: CeGaT Center For Human Genetics Tuebingen Variant Classification Criteria Version 2. Collection method: clinical testing. Allele origin: germline. Affected: yes. Observed: 75 variant alleles.
Comment: CACNA1A: PP3, BS1, BS2

Labcorp Genetics (formerly Invitae), Labcorp
Classification: Benign for Developmental and epileptic encephalopathy, 42; Episodic ataxia type 2. Last evaluated: 2026-02-02. Review status: criteria provided, single submitter. Criteria: Invitae Variant Classification Sherloc (09022015). Collection method: clinical testing. Allele origin: germline.

Blueprint Genetics
Classification: Likely benign. Last evaluated: 2024-11-28. Review status: criteria provided, single submitter. Criteria: ACMG Guidelines, 2015. Collection method: clinical testing. Allele origin: germline.

Ambry Genetics
Classification: Benign for Inborn genetic diseases. Last evaluated: 2024-09-26. Review status: criteria provided, single submitter. Criteria: Ambry Variant Classification Scheme 2023. Collection method: clinical testing. Allele origin: germline.

Athena Diagnostics
Classification: Benign. Last evaluated: 2019-03-08. Review status: criteria provided, single submitter. Criteria: Athena Diagnostics Criteria. Collection method: clinical testing. Allele origin: germline.

Mayo Clinic Laboratories, Mayo Clinic
Classification: Likely benign for Developmental and epileptic encephalopathy, 42. Last evaluated: 2017-06-12. Review status: criteria provided, single submitter. Criteria: ACMG Guidelines, 2015. Collection method: clinical testing. Allele origin: paternal.

Eurofins Ntd Llc (ga)
Classification: Uncertain significance. Last evaluated: 2017-02-08. Review status: criteria provided, single submitter. Criteria: EGL Classification Definitions 2015. Collection method: clinical testing. Allele origin: germline. Observed: 12 variant alleles, 12 heterozygotes.

Center for Pediatric Genomic Medicine, Children's Mercy Hospital and Clinics
Classification: Uncertain significance. Last evaluated: 2017-01-31. Review status: criteria provided, single submitter. Criteria: ACMG Guidelines, 2015. Collection method: clinical testing. Allele origin: germline.
ClinVar note: Converted during submission from Uncertain Significance to Uncertain significance.

GeneDx
Classification: Benign. Last evaluated: 2016-11-17. Review status: criteria provided, single submitter. Criteria: GeneDx Variant Classification (06012015). Collection method: clinical testing. Allele origin: germline. Affected: yes.
Comment: This variant is considered likely benign or benign based on one or more of the following criteria: it is a conservative change, it occurs at a poorly conserved position in the protein, it is predicted to be benign by multiple in silico algorithms, and/or has population frequency not consistent with disease.

PreventionGenetics, part of Exact Sciences
Classification: Benign for CACNA1A-related condition. Last evaluated: 2024-05-09. Review status: no assertion criteria provided. Collection method: clinical testing. Allele origin: germline. Not counted in ClinVar's aggregate classification.
Comment: This variant is classified as benign based on ACMG/AMP sequence variant interpretation guidelines (Richards et al. 2015 PMID: 25741868, with internal and published modifications).

Centre de Biologie Pathologie Génétique, Centre Hospitalier Universitaire de Lille
Classification: Uncertain significance for Intellectual disability. Last evaluated: 2019-01-01. Review status: no assertion criteria provided. Collection method: clinical testing. Allele origin: unknown. Affected: yes. Not counted in ClinVar's aggregate classification.

Clinical Genetics DNA and cytogenetics Diagnostics Lab, Erasmus MC, Erasmus Medical Center
Classification: Likely benign. Review status: no assertion criteria provided. Collection method: clinical testing. Allele origin: germline. Affected: yes. Study: VKGL Data-share Consensus. Not counted in ClinVar's aggregate classification.

Department of Pathology and Laboratory Medicine, Sinai Health System
Classification: Uncertain significance. Review status: no assertion criteria provided. Collection method: clinical testing. Allele origin: unknown. Affected: yes. Study: The Canadian Open Genetics Repository (COGR). Not counted in ClinVar's aggregate classification.

Genome Diagnostics Laboratory, University Medical Center Utrecht
Classification: Benign. Review status: no assertion criteria provided. Collection method: clinical testing. Allele origin: germline. Affected: yes. Study: VKGL Data-share Consensus. Not counted in ClinVar's aggregate classification.

Joint Genome Diagnostic Labs from Nijmegen and Maastricht, Radboudumc and MUMC+
Classification: Benign. Review status: no assertion criteria provided. Collection method: clinical testing. Allele origin: germline. Affected: yes. Study: VKGL Data-share Consensus. Not counted in ClinVar's aggregate classification.

Laboratory of Diagnostic Genome Analysis, Leiden University Medical Center (LUMC)
Classification: Likely benign. Review status: no assertion criteria provided. Collection method: clinical testing. Allele origin: germline. Affected: yes. Study: VKGL Data-share Consensus. Not counted in ClinVar's aggregate classification.

Literature cited by the submitters: PubMed 20156848 (cited by Athena Diagnostics); PubMed 30167989 (cited by Athena Diagnostics); PubMed 24108129 (cited by Athena Diagnostics and Eurofins Ntd Llc (ga)); PubMed 25356970 (cited by Athena Diagnostics).